The following is an entry in ClinVar:

NM_000038.6(APC):c.1268G>C (p.Trp423Ser)

Gene: APC (APC regulator of Wnt signaling pathway; plus strand). Cytogenetic location: 5q22.2.
Variant type: single nucleotide variant.
Coding change: c.1268G>C on transcript NM_000038.6 (MANE Select); coding-DNA position 1268, G replaced by C.
Protein change: p.Trp423Ser; replaces tryptophan 423 with serine.
Molecular consequence: missense variant. On other transcripts: non-coding transcript variant (2).
Genome position (GRCh38, 1-based): chr5:112,819,300, G>C. VCF-style: chr5-112819300-G-C. GRCh37 (hg19) VCF-style: chr5-112154997-G-C.
Other names: c.1268G>C, p.Trp423Ser (NM_001127510.3, NM_001354895.2, NM_001354896.2 and 4 more transcripts); c.1214G>C, p.Trp405Ser (NM_001127511.3); c.1298G>C, p.Trp433Ser (NM_001354897.2, NM_001407446.1); c.1193G>C, p.Trp398Ser (NM_001354898.2, NM_001407451.1); c.1184G>C, p.Trp395Ser (NM_001354899.2, NM_001407452.1); c.1091G>C, p.Trp364Ser (NM_001354900.2, NM_001354901.2, NM_001407453.1); c.995G>C, p.Trp332Ser (NM_001354902.2); c.965G>C, p.Trp322Ser (NM_001354903.2, NM_001407454.1, NM_001407455.1 and 5 more transcripts); and 5 more; short protein forms W364S, W423S, W263S, W433S, W140S, W332S, W405S, W294S.
Identifiers: ClinVar variation 3635407 (VCV003635407.2).

ClinVar aggregate classification (germline): Uncertain significance (1 of 4 stars; one submission).

Conditions:
Familial adenomatous polyposis 1 (FAP1). Also called: FAMILIAL ADENOMATOUS POLYPOSIS 1, ATTENUATED; POLYPOSIS, ADENOMATOUS INTESTINAL. Identifiers: MedGen C2713442, MONDO:0021056, OMIM 175100. Disease mechanism: loss of function.

Submission:

Labcorp Genetics (formerly Invitae), Labcorp
Classification: Uncertain significance for Familial adenomatous polyposis 1. Last evaluated: 2024-09-06. Review status: criteria provided, single submitter. Criteria: Invitae Variant Classification Sherloc (09022015). Collection method: clinical testing. Allele origin: germline.
Comment: This sequence change replaces tryptophan, which is neutral and slightly polar, with serine, which is neutral and polar, at codon 423 of the APC protein (p.Trp423Ser). This variant is not present in population databases (gnomAD no frequency). This variant has not been reported in the literature in individuals affected with APC-related conditions. Invitae Evidence Modeling of protein sequence and biophysical properties (such as structural, functional, and spatial information, amino acid conservation, physicochemical variation, residue mobility, and thermodynamic stability) indicates that this missense variant is not expected to disrupt APC protein function with a negative predictive value of 95%. In summary, the available evidence is currently insufficient to determine the role of this variant in disease. Therefore, it has been classified as a Variant of Uncertain Significance.